The following is an entry in ClinVar:

ClinVar aggregate classification (germline): Likely benign. Review status: criteria provided, single submitter (1 of 4 stars). 2 submissions from 2 submitters: Likely benign (1). 1 of the submissions does not count toward it. Last evaluated 2017-05-04.

Conditions:
PKD1-related disorder. Also called: PKD1-related condition.

Allele frequency attached by ClinVar (database versions not stated): gnomAD 0.00001; TOPMed 0.00001.

Submissions (2):

ARUP Laboratories, Molecular Genetics and Genomics, ARUP Laboratories
Classification: Likely benign. Last evaluated: 2017-05-04. Review status: criteria provided, single submitter. Criteria: ARUP Molecular Germline Variant Investigation Process. Collection method: clinical testing. Allele origin: germline.

PreventionGenetics, part of Exact Sciences
Classification: Uncertain significance for PKD1-related condition. Last evaluated: 2024-04-25. Review status: no assertion criteria provided. Collection method: clinical testing. Allele origin: germline. Not counted in ClinVar's aggregate classification.
Comment: The PKD1 c.1304A>G variant is predicted to result in the amino acid substitution p.Gln435Arg. To our knowledge, this variant has not been reported in the literature or in a large population database, indicating this variant is rare. At this time, the clinical significance of this variant is uncertain due to the absence of conclusive functional and genetic evidence.

NM_001009944.3(PKD1):c.1304A>G (p.Gln435Arg)

Gene: PKD1 (polycystin 1, transient receptor potential channel interacting; minus strand). Cytogenetic location: 16p13.3.
Variant type: single nucleotide variant.
Coding change: c.1304A>G on transcript NM_001009944.3 (MANE Select); coding-DNA position 1304, A replaced by G.
Protein change: p.Gln435Arg; replaces glutamine 435 with arginine.
Molecular consequence: missense variant.
Genome position (GRCh38, 1-based): chr16:2,117,570, T>C on the plus strand (A>G on the coding strand, the complement: PKD1 is on the minus strand). VCF-style: chr16-2117570-T-C. GRCh37 (hg19) VCF-style: chr16-2167571-T-C.
Other names: c.1304A>G, p.Gln435Arg (NM_000296.4); c.1304A>G (NM_001009944.2); short protein forms Q435R.
Identifiers: ClinVar variation 618288 (VCV000618288.9), dbSNP rs1426435123, ClinGen allele CA394392593.